The following is an entry in ClinVar:

NM_023110.3(FGFR1):c.177C>T (p.Asp59=)

Gene: FGFR1 (fibroblast growth factor receptor 1; minus strand). Cytogenetic location: 8p11.23.
Variant type: single nucleotide variant.
Coding change: c.177C>T on transcript NM_023110.3 (MANE Select); coding-DNA position 177, C replaced by T.
Protein change: p.Asp59=; no amino-acid change (aspartic acid 59 retained).
Molecular consequence: synonymous variant. On other transcripts: intron variant (5).
Genome position (GRCh38, 1-based): chr8:38,429,863, G>A on the plus strand (C>T on the coding strand, the complement: FGFR1 is on the minus strand). VCF-style: chr8-38429863-G-A. GRCh37 (hg19) VCF-style: chr8-38287381-G-A.
Other names: c.177C>T, p.Asp59= (NM_001174063.2, NM_001174065.2, NM_001354367.2 and 2 more transcripts); c.153C>T, p.Asp51= (NM_001174064.2); c.276C>T, p.Asp92= (NM_001174067.2); c.92-1428C>T (NM_001354368.2, NM_001354370.2, NM_023106.3 and 2 more transcripts).
Identifiers: ClinVar variation 695815 (VCV000695815.27), dbSNP rs367880371, ClinGen allele CA4718860.
Genomic context (GRCh38, chr8:38,429,863, plus strand): 5'-GGTGCGGTTGCTTTCCGCCAGCTGCACCCCGTCCCGCAGCCAGTTGATGCTCTGCACATC[G>A]TCCCGCAGCCGACAGCGAAGCTGCAGCAGGTCACCGGGGTGGACCAGGAAGGACTCCACT-3'
Protein context (NP_075598.2, residues 49-69): DLLQLRCRLR[Asp59=]DVQSINWLRD

ClinVar aggregate classification (germline): Benign/Likely benign. Review status: criteria provided, multiple submitters, no conflicts (2 of 4 stars). 7 submissions from 7 submitters: Benign (1); Likely benign (6). Last evaluated 2025-12-03.

Conditions:
Inborn genetic diseases. Identifiers: MedGen C0950123, MeSH D030342.
Pfeiffer syndrome (ACS5). Also called: ACS V. Identifiers: Orphanet 710, MedGen C0220658, MONDO:0007043, OMIM 101600.
Hypogonadotropic hypogonadism 2 with or without anosmia (HH2). Also called: HYPOGONADOTROPIC HYPOGONADISM 2 WITHOUT ANOSMIA; HYPOGONADOTROPIC HYPOGONADISM 2 WITH OR WITHOUT ANOSMIA, SUSCEPTIBILITY TO; HYPOGONADOTROPIC HYPOGONADISM 2 WITHOUT ANOSMIA, SUSCEPTIBILITY TO; FGFR1-Related GnRH Deficiency (Kallmann Syndrome 2). Identifiers: Orphanet 478, MedGen C1563720, MONDO:0007844, OMIM 147950. Disease mechanism: loss of function.

Allele frequency attached by ClinVar (database versions not stated): ESP Exome Variant Server 0.00023; gnomAD exomes 0.00028 and 0.00050; ExAC 0.00030; gnomAD 0.00035 and 0.00037; TOPMed 0.00038.
gnomAD v4.1: 788 of 1,614,034 alleles (0.049%); highest among the groups gnomAD compares: Non-Finnish European, 0.061%; no homozygotes.

Submissions (7):

Labcorp Genetics (formerly Invitae), Labcorp
Classification: Likely benign for Pfeiffer syndrome; Hypogonadotropic hypogonadism 2 with or without anosmia. Last evaluated: 2025-12-03. Review status: criteria provided, single submitter. Criteria: Invitae Variant Classification Sherloc (09022015). Collection method: clinical testing. Allele origin: germline.

CeGaT Center for Human Genetics Tuebingen
Classification: Likely benign. Last evaluated: 2025-11-01. Review status: criteria provided, single submitter. Criteria: CeGaT Center For Human Genetics Tuebingen Variant Classification Criteria Version 2. Collection method: clinical testing. Allele origin: germline. Affected: yes. Observed: 2 variant alleles.
Comment: FGFR1: BP4, BP7

Laboratory of Genetics, Children's Clinical University Hospital Latvia
Classification: Benign. Last evaluated: 2025-02-16. Review status: criteria provided, single submitter. Criteria: ACMG Guidelines, 2015. Collection method: clinical testing. Allele origin: germline. Affected: yes.

Blueprint Genetics
Classification: Likely benign. Last evaluated: 2024-11-04. Review status: criteria provided, single submitter. Criteria: ACMG Guidelines, 2015. Collection method: clinical testing. Allele origin: germline.

Ambry Genetics
Classification: Likely benign for Inborn genetic diseases. Last evaluated: 2023-06-12. Review status: criteria provided, single submitter. Criteria: Ambry Variant Classification Scheme 2023. Collection method: clinical testing. Allele origin: germline.

GeneDx
Classification: Likely benign. Last evaluated: 2020-12-22. Review status: criteria provided, single submitter. Criteria: GeneDx Variant Classification Process June 2021. Collection method: clinical testing. Allele origin: germline. Affected: yes.
Comment: Identified in a patient with congenital hypogonadotropic hypogonadism who also harbored a missense variant in the CHD7 gene in published literature (Goncalves et al., 2019); In-silico analysis, which includes splice predictors and evolutionary conservation, is inconclusive as to whether the variant alters gene splicing. In the absence of RNA/functional studies, the actual effect of this sequence change is unknown.; This variant is associated with the following publications: (PMID: 30733481)

Breakthrough Genomics
Classification: Likely benign. Review status: criteria provided, single submitter. Criteria: ACMG Guidelines, 2015. Collection method: not provided. Allele origin: germline. Inheritance: Autosomal dominant inheritance. Affected: yes.